The following is an entry in ClinVar:

NM_002693.3(POLG):c.1700del (p.Pro567fs)

Gene: POLG (DNA polymerase gamma, catalytic subunit; minus strand). Cytogenetic location: 15q26.1.
Variant type: Deletion.
Coding change: c.1700del on transcript NM_002693.3 (MANE Select); coding-DNA position 1700, one base deleted (C; older notation c.1700delC).
Protein change: p.Pro567fs; shifts the reading frame from proline 567.
Molecular consequence: frameshift variant.
Genome position (GRCh38, 1-based): chr15:89,326,624, G deleted on the plus strand (C on the coding strand, the reverse complement: POLG is on the minus strand); the first of 2 consecutive G bases (chr15:89,326,624-89,326,625); deleting either gives the same sequence. VCF-style (leftmost placement, unchanged base first): chr15-89326623-AG-A. GRCh37 (hg19) VCF-style: chr15-89869854-AG-A.
Other names: c.1700del, p.Pro567fs (NM_001126131.2); short protein forms P567fs.
Identifiers: ClinVar variation 2772647 (VCV002772647.4), dbSNP rs2509252822, ClinGen allele CA2697549354.

ClinVar aggregate classification (germline): Pathogenic. Review status: criteria provided, multiple submitters, no conflicts (2 of 4 stars). 2 submissions from 2 submitters: Pathogenic (2). Last evaluated 2026-02-07.

Conditions:
Progressive sclerosing poliodystrophy (MTDPS4A). Also called: ALPERS PROGRESSIVE INFANTILE POLIODYSTROPHY; NEURONAL DEGENERATION OF CHILDHOOD WITH LIVER DISEASE, PROGRESSIVE; Alpers Syndrome; ALPERS DIFFUSE DEGENERATION OF CEREBRAL GRAY MATTER WITH HEPATIC CIRRHOSIS; Alpers-Huttenlocher Syndrome; Alpers-Huttenlocher Syndrome (AHS). Identifiers: Orphanet 726, MedGen C0205710, MONDO:0008758, OMIM 203700.
POLG-related disorder. Also called: POLG-related condition; POLG-Related Disorders; POLG-Related Spectrum Disorders. Identifiers: MedGen C4763519.

Submissions (2):

Myriad Genetics, Inc.
Classification: Pathogenic for POLG-related disorder. Last evaluated: 2026-02-07. Review status: criteria provided, single submitter. Criteria: Myriad Autosomal Dominant, Autosomal Recessive and X-Linked Classification Criteria (2023). Collection method: clinical testing. Allele origin: unknown.
Comment: NM_002693.2(POLG):c.1700delC(P567Lfs*14) is expected to be pathogenic in the context of POLG-related disorders. This variant is predicted to lead to an abnormal or absent protein product due to the creation of a premature termination codon in POLG, a gene where loss-of-function variants are known to be pathogenic. Please note: this variant was assessed in the context of healthy population screening.

Labcorp Genetics (formerly Invitae), Labcorp
Classification: Pathogenic for Progressive sclerosing poliodystrophy. Last evaluated: 2023-12-09. Review status: criteria provided, single submitter. Criteria: Invitae Variant Classification Sherloc (09022015). Collection method: clinical testing. Allele origin: germline.
Comment: This sequence change creates a premature translational stop signal (p.Pro567Leufs*14) in the POLG gene. It is expected to result in an absent or disrupted protein product. Loss-of-function variants in POLG are known to be pathogenic (PMID: 18546365). This variant is not present in population databases (gnomAD no frequency). This variant has not been reported in the literature in individuals affected with POLG-related conditions. For these reasons, this variant has been classified as Pathogenic.

Literature cited by the submitters: PubMed 18546365 (cited by Labcorp Genetics (formerly Invitae), Labcorp).